The following is an entry in ClinVar:

ClinVar aggregate classification (germline): Pathogenic. Review status: reviewed by expert panel (3 of 4 stars). 12 submissions from 12 submitters: Pathogenic (1). 11 of the submissions do not count toward it. Last evaluated 2016-09-08.

Conditions:
Hereditary cancer-predisposing syndrome. Also called: Neoplastic Syndromes, Hereditary; Tumor predisposition; Hereditary Cancer Syndrome; Hereditary neoplastic syndrome. Identifiers: Orphanet 140162, MedGen C0027672, MeSH D009386, MONDO:0015356.
Hereditary breast ovarian cancer syndrome. Also called: Hereditary breast and ovarian cancer syndrome; Hereditary breast and ovarian cancer; Hereditary breast and ovarian cancer syndrome (HBOC); Breast and ovarian cancer; Hereditary breast and/or ovarian cancer syndrome; BRCA1- and BRCA2-Associated Hereditary Breast and Ovarian Cancer. Identifiers: Orphanet 145, MedGen C0677776, MeSH D061325, MONDO:0003582. Disease mechanism: loss of function.
Breast-ovarian cancer, familial, susceptibility to, 2 (BROVCA2). Also called: BRCA2 Hereditary Breast and Ovarian Cancer. Identifiers: Orphanet 145, MedGen C2675520, MONDO:0012933, OMIM 612555. Disease mechanism: loss of function.
Familial cancer of breast. Also called: BREAST CANCER, FAMILIAL; Hereditary breast cancer; hereditary breast carcinoma. Identifiers: Orphanet 227535, MedGen C0346153, MONDO:0016419, OMIM 114480. Disease mechanism: loss of function.
Malignant tumor of breast. Also called: Malignant breast neoplasm; Cancer breast. Identifiers: MedGen C0006142, MONDO:0007254. Disease mechanism: loss of function.

gnomAD v4.1: 3 of 1,613,062 alleles (0.00019%); highest among the groups gnomAD compares: South Asian, 0.0033%; no homozygotes.

Submissions (12):

Evidence-based Network for the Interpretation of Germline Mutant Alleles (ENIGMA)
Classification: Pathogenic for Breast-ovarian cancer, familial, susceptibility to, 2. Last evaluated: 2016-09-08. Review status: reviewed by expert panel. Criteria: ENIGMA BRCA1/2 Classification Criteria (2015). Collection method: curation. Allele origin: germline.
Comment: Variant allele predicted to encode a truncated non-functional protein.

Labcorp Genetics (formerly Invitae), Labcorp
Classification: Pathogenic for Hereditary breast ovarian cancer syndrome. Last evaluated: 2024-06-13. Review status: criteria provided, single submitter. Criteria: Invitae Variant Classification Sherloc (09022015). Collection method: clinical testing. Allele origin: germline. Not counted in ClinVar's aggregate classification.
Comment: This sequence change creates a premature translational stop signal (p.Ser1121*) in the BRCA2 gene. It is expected to result in an absent or disrupted protein product. Loss-of-function variants in BRCA2 are known to be pathogenic (PMID: 20104584). This variant is not present in population databases (gnomAD no frequency). This premature translational stop signal has been observed in individual(s) with breast cancer (PMID: 11920621, 28288110). This variant is also known as 3590C>G. ClinVar contains an entry for this variant (Variation ID: 51453). For these reasons, this variant has been classified as Pathogenic.

Ambry Genetics
Classification: Pathogenic for Hereditary cancer-predisposing syndrome. Last evaluated: 2023-08-27. Review status: criteria provided, single submitter. Criteria: Ambry Variant Classification Scheme 2023. Collection method: clinical testing. Allele origin: germline. Not counted in ClinVar's aggregate classification.
Comment: The p.S1121* pathogenic mutation (also known as c.3362C>G or 3590C>G), located in coding exon 10 of the BRCA2 gene, results from a C to G substitution at nucleotide position 3362. This changes the amino acid from a serine to a stop codon within coding exon 10. In addition, this alteration was identified in a large, worldwide study of BRCA1/2 mutation positive families (Rebbeck TR et al. Hum Mutat. 2018 May;39(5):593-620). In addition to the clinical data presented in the literature, this alteration is expected to result in loss of function by premature protein truncation or nonsense-mediated mRNA decay. As such, this alteration is interpreted as a disease-causing mutation.

Baylor Genetics
Classification: Pathogenic for Familial cancer of breast. Last evaluated: 2023-08-04. Review status: criteria provided, single submitter. Criteria: ACMG Guidelines, 2015. Collection method: clinical testing. Allele origin: unknown. Not counted in ClinVar's aggregate classification.

Color Diagnostics, LLC DBA Color Health
Classification: Pathogenic for Hereditary cancer-predisposing syndrome. Last evaluated: 2020-01-15. Review status: criteria provided, single submitter. Criteria: ACMG Guidelines, 2015. Collection method: clinical testing. Allele origin: germline. Not counted in ClinVar's aggregate classification.
Comment: This variant changes 1 nucleotide in exon 11 of the BRCA2 gene, creating a premature translation stop signal. This variant is expected to result in an absent or non-functional protein product. This variant has not been identified in the general population by the Genome Aggregation Database (gnomAD). Loss of BRCA2 function is a known mechanism of disease. Based on the available evidence, this variant is classified as Pathogenic.

Women's Health and Genetics/Laboratory Corporation of America, LabCorp
Classification: Pathogenic for Hereditary breast and ovarian cancer syndrome. Last evaluated: 2019-11-15. Review status: criteria provided, single submitter. Criteria: LabCorp Variant Classification Summary - May 2015. Collection method: clinical testing. Allele origin: germline. Not counted in ClinVar's aggregate classification.
Comment: Variant summary: BRCA2 c.3362C>G (p.Ser1121X) results in a premature termination codon, predicted to cause a truncation of the encoded protein or absence of the protein due to nonsense mediated decay, which are commonly known mechanisms for disease. Truncations downstream of this position have been classified as pathogenic by our laboratory. The variant was absent in 250192 control chromosomes. c.3362C>G has been reported in the literature in individuals affected with Hereditary Breast and Ovarian Cancer, including two affected family members (De Leon Matsuda_2002, Finkelman_2012, Rebbeck_2018). These data indicate that the variant is likely to be associated with disease. To our knowledge, no experimental evidence demonstrating an impact on protein function has been reported. Five clinical diagnostic laboratories have submitted clinical-significance assessments for this variant to ClinVar after 2014 without evidence for independent evaluation. All laboratories classified the variant as pathogenic. Based on the evidence outlined above, the variant was classified as pathogenic.

Quest Diagnostics Nichols Institute San Juan Capistrano
Classification: Pathogenic. Last evaluated: 2019-09-12. Review status: criteria provided, single submitter. Criteria: Quest Diagnostics criteria. Collection method: clinical testing. Allele origin: unknown. Not counted in ClinVar's aggregate classification.
Comment: The variant creates a premature nonsense codon, and is therefore predicted to result in the loss of a functional protein. Found in at least one patient with expected phenotype for this gene, and not found in general population data.

GeneDx
Classification: Pathogenic. Last evaluated: 2018-09-12. Review status: criteria provided, single submitter. Criteria: GeneDx Variant Classification (06012015). Collection method: clinical testing. Allele origin: germline. Affected: yes. Not counted in ClinVar's aggregate classification.
Comment: This pathogenic variant is denoted BRCA2 c.3362C>G at the cDNA level and p.Ser1121Ter (S1121X) at the protein level. This variant is also known as BRCA2 3590C>G using alternate nomenclature. The substitution creates a nonsense variant, which changes a Serine to a premature stop codon (TCA>TGA), and is predicted to cause loss of normal protein function through either protein truncation or nonsense-mediated mRNA decay. This variant has been reported in a large cohort of self-identified Ashkenazi Jewish women with hereditary breast and/or ovarian cancer as well as in two affected members of a Filipino family with early-onset breast cancer (De Leon 2002, Finkelman 2012). We consider this variant to be pathogenic.

Consortium of Investigators of Modifiers of BRCA1/2 (CIMBA), c/o University of Cambridge
Classification: Pathogenic for Breast-ovarian cancer, familial, susceptibility to, 2. Last evaluated: 2015-10-02. Review status: criteria provided, single submitter. Criteria: CIMBA Mutation Classification guidelines May 2016. Collection method: clinical testing. Allele origin: germline. Not counted in ClinVar's aggregate classification.

Sharing Clinical Reports Project (SCRP)
Classification: Pathogenic for Breast-ovarian cancer, familial 2. Last evaluated: 2008-12-12. Review status: no assertion criteria provided. Collection method: clinical testing. Allele origin: germline. Not counted in ClinVar's aggregate classification.

Breast Cancer Information Core (BIC) (BRCA2)
Classification: Pathogenic for Breast-ovarian cancer, familial 2. Last evaluated: 2002-05-29. Review status: no assertion criteria provided. Collection method: clinical testing. Allele origin: germline. Affected: yes. Observed: 4 variant alleles. Not counted in ClinVar's aggregate classification.

Department of Pathology and Laboratory Medicine, Sinai Health System
Classification: Pathogenic for Malignant tumor of breast. Review status: no assertion criteria provided. Collection method: clinical testing. Allele origin: unknown. Affected: yes. Observed: 1 variant allele. Study: The Canadian Open Genetics Repository (COGR). Not counted in ClinVar's aggregate classification.
Comment: The variant was also identified in dbSNP (ID: rs80358579) â€šÃ„ÃºWith pathogenic alleleâ€šÃ„Ã¹, HGMD, and the BIC database (4X with clinical importance). In addition, a different variant with the same change at the protein level (c.3362C>A, p.Ser1121X) was listed twice in UMD as a causal variant and once in the BIC database as a variant with clinical importance. The p.Ser1121X variant leads to a premature stop codon at position 1121, which is predicted to lead to a truncated or absent protein and loss of function. Loss of function variants of the BRCA2 gene are an established mechanism of disease in hereditary breast and ovarian cancer and is the type of variant expected to cause the disorder. In summary, based on the above information, this variant meets our laboratoryâ€šÃ„Ã´s criteria to be classified as pathogenic.

Literature cited by the submitters: PubMed 20104584 (cited by Labcorp Genetics (formerly Invitae), Labcorp); PubMed 11920621 (cited by 3 submitters); PubMed 28288110 (cited by Labcorp Genetics (formerly Invitae), Labcorp); PubMed 22430266 (cited by Women's Health and Genetics/Laboratory Corporation of America, LabCorp and Quest Diagnostics Nichols Institute San Juan Capistrano); PubMed 26187060 (cited by Women's Health and Genetics/Laboratory Corporation of America, LabCorp and Quest Diagnostics Nichols Institute San Juan Capistrano); PubMed 29446198 (cited by Women's Health and Genetics/Laboratory Corporation of America, LabCorp).

NM_000059.4(BRCA2):c.3362C>G (p.Ser1121Ter)

Gene: BRCA2 (BRCA2 DNA repair associated; plus strand). Cytogenetic location: 13q13.1.
Variant type: single nucleotide variant.
Coding change: c.3362C>G on transcript NM_000059.4 (MANE Select); coding-DNA position 3362, C replaced by G.
Protein change: p.Ser1121Ter; replaces serine 1121 with a stop codon.
Molecular consequence: nonsense.
Genome position (GRCh38, 1-based): chr13:32,337,717, C>G. VCF-style: chr13-32337717-C-G. GRCh37 (hg19) VCF-style: chr13-32911854-C-G.
Other names: 3590C>G; short protein forms S1121*.
Identifiers: ClinVar variation 51453 (VCV000051453.25), dbSNP rs80358579, ClinGen allele CA017866.
Genomic context (GRCh38, chr13:32,337,717, plus strand): 5'-ATAATTTAACACCTAGCCAAAAGGCAGAAATTACAGAACTTTCTACTATATTAGAAGAAT[C>G]AGGAAGTCAGTTTGAATTTACTCAGTTTAGAAAACCAAGCTACATATTGCAGAAGAGTAC-3'